The following is an entry in ClinVar:

NM_207037.2(TCF12):c.1346dup (p.Leu449fs)

Gene: TCF12 (transcription factor 12; plus strand). Cytogenetic location: 15q21.3.
Variant type: Duplication.
Coding change: c.1346dup on transcript NM_207037.2 (MANE Select); coding-DNA position 1346, one base duplicated (T; older notation c.1346dupT).
Protein change: p.Leu449fs; shifts the reading frame from leucine 449.
Molecular consequence: frameshift variant.
Genome position (GRCh38, 1-based): chr15:57,253,347, T duplicated; the last of 3 consecutive T bases (chr15:57,253,345-57,253,347); duplicating any one gives the same sequence. VCF-style (leftmost placement, unchanged base first): chr15-57253344-G-GT. GRCh37 (hg19) VCF-style: chr15-57545542-G-GT.
Other names: c.836dup, p.Leu279fs (NM_001306219.3); c.566dup, p.Leu189fs (NM_001306220.3); c.1346dup, p.Leu449fs (NM_001322151.2, NM_001322152.2, NM_001322159.3 and 2 more transcripts); c.689dup, p.Leu230fs (NM_001322154.2); c.1172dup, p.Leu391fs (NM_001322156.2); c.1274dup, p.Leu425fs (NM_001322157.3, NM_001322165.2, NM_003205.4 and 1 more transcripts); c.764dup, p.Leu255fs (NM_207040.2); c.1100dup, p.Leu367fs (NM_001322158.2); and 2 more; short protein forms L367fs, L449fs, L255fs, L437fs, L448fs, L189fs, L230fs, L279fs.
Identifiers: ClinVar variation 1955530 (VCV001955530.5), dbSNP rs2551484936, ClinGen allele CA2580089810.

ClinVar aggregate classification (germline): Pathogenic (1 of 4 stars; one submission).

Submission:

Labcorp Genetics (formerly Invitae), Labcorp
Classification: Pathogenic. Last evaluated: 2022-03-26. Review status: criteria provided, single submitter. Criteria: Invitae Variant Classification Sherloc (09022015). Collection method: clinical testing. Allele origin: germline.
Comment: For these reasons, this variant has been classified as Pathogenic. This variant has not been reported in the literature in individuals affected with TCF12-related conditions. This variant is not present in population databases (gnomAD no frequency). This sequence change creates a premature translational stop signal (p.Leu449Phefs*7) in the TCF12 gene. It is expected to result in an absent or disrupted protein product. Loss-of-function variants in TCF12 are known to be pathogenic (PMID: 23354436, 32620954).

Literature cited by the submitters: PubMed 23354436; PubMed 32620954.